The following is an entry in ClinVar:

ClinVar aggregate classification (germline): Pathogenic. Review status: criteria provided, multiple submitters, no conflicts (2 of 4 stars). 2 submissions from 2 submitters: Pathogenic (2). Last evaluated 2026-09-08.

Conditions:
Fabry disease. Also called: GLA DEFICIENCY; HEREDITARY DYSTOPIC LIPIDOSIS; Fabry's disease; Angiokeratoma corporis diffusum; Ceramide trihexosidosis; ALPHA-GALACTOSIDASE A DEFICIENCY. Identifiers: Orphanet 324, MedGen C0002986, MONDO:0010526, OMIM 301500, HP:0001071. Disease mechanism: loss of function, Fabry disease is due to inactivating mutations in the X-linked GLA gene resulting in deficiency of the enzyme Alpha Galactosidase-A..

Submissions (2):

Genomenon, Inc
Classification: Pathogenic for Fabry disease. Last evaluated: 2026-09-08. Review status: criteria provided, single submitter. Criteria: Genomenon Sequence Variant Interpretation Standards - Updated. Collection method: curation. Allele origin: germline. Affected: yes.
Comment: GLA p.Gln416Ter (c.1246C>T) is a nonsense variant that introduces a premature stop codon at amino acid position 416 and is predicted to result in a truncated or absent protein product. This variant has been observed in at least one proband with clinical features consistent with Fabry disease (PMID:24015197;32442237;33437642;23566439). At least one functional study has demonstrated a substantial alteration in protein function relative to the wild-type (PMID:27657681;23935525). It is absent or not present at a significant frequency in gnomAD. In conclusion, we classify GLA p.Gln416Ter (c.1246C>T) as a pathogenic variant.

Eurofins Ntd Llc (ga)
Classification: Pathogenic. Last evaluated: 2017-11-16. Review status: criteria provided, single submitter. Criteria: EGL Classification Definitions 2015. Collection method: clinical testing. Allele origin: germline. Observed: 2 variant alleles, 2 heterozygotes.

Literature cited by the submitters: PubMed 24015197 (cited by Genomenon, Inc); PubMed 32442237 (cited by Genomenon, Inc); PubMed 33437642 (cited by Genomenon, Inc); PubMed 23566439 (cited by Genomenon, Inc); PubMed 27657681 (cited by Genomenon, Inc); PubMed 23935525 (cited by Genomenon, Inc).

NM_000169.3(GLA):c.1246C>T (p.Gln416Ter)

Genes: GLA (galactosidase alpha; minus strand), RPL36A-HNRNPH2 (RPL36A-HNRNPH2 readthrough; plus strand). Cytogenetic location: Xq22.1.
Variant type: single nucleotide variant.
Coding change: c.1246C>T on transcript NM_000169.3 (MANE Select); coding-DNA position 1246, C replaced by T.
Protein change: p.Gln416Ter; replaces glutamine 416 with a stop codon.
Molecular consequence: nonsense. On other transcripts: non-coding transcript variant (3), intron variant (2).
Genome position (GRCh38, 1-based): chrX:101,397,853, G>A on the plus strand (C>T on the coding strand, the complement: GLA is on the minus strand). VCF-style: chrX-101397853-G-A. GRCh37 (hg19) VCF-style: chrX-100652841-G-A.
Other names: c.1369C>T, p.Gln457Ter (NM_001406747.1); c.300+2396G>A (NM_001199973.2); c.177+6031G>A (NM_001199974.2); short protein forms Q416*, Q457*.
Identifiers: ClinVar variation 222173 (VCV000222173.7), dbSNP rs869312247, ClinGen allele CA352683.
Genomic context (GRCh38, chrX:101,397,853, plus strand): 5'-CAATAAAATAAACATTTTAAAGTAAGTCTTTTAATGACATCTGCATTGTATTTTCTAGCT[G>A]AAGCAAAACAGTGCCTGTGGGATTTATGTGACTTCTTAACCTTGAAGTCCATTCATAGAA-3'